The following is an entry in ClinVar:

NM_020738.4(KIDINS220):c.1900A>G (p.Thr634Ala)

Gene: KIDINS220 (kinase D interacting substrate 220; minus strand). Cytogenetic location: 2p25.1.
Variant type: single nucleotide variant.
Coding change: c.1900A>G on transcript NM_020738.4 (MANE Select); coding-DNA position 1900, A replaced by G.
Protein change: p.Thr634Ala; replaces threonine 634 with alanine.
Molecular consequence: missense variant. On other transcripts: non-coding transcript variant (2).
Genome position (GRCh38, 1-based): chr2:8,786,245, T>C on the plus strand (A>G on the coding strand, the complement: KIDINS220 is on the minus strand). VCF-style: chr2-8786245-T-C. GRCh37 (hg19) VCF-style: chr2-8926375-T-C.
Other names: c.1903A>G, p.Thr635Ala (NM_001348729.2, NM_001348731.2, NM_001348734.2 and 3 more transcripts); c.1900A>G, p.Thr634Ala (NM_001348732.2, NM_001348735.2, NM_001348738.2 and 3 more transcripts); c.1774A>G, p.Thr592Ala (NM_001348736.2); short protein forms T592A, T634A, T635A.
Identifiers: ClinVar variation 1952529 (VCV001952529.5), dbSNP rs759350450, ClinGen allele CA1520077.
Genomic context (GRCh38, chr2:8,786,245, plus strand): 5'-AAGGAAGGAAGGAAATCCTACCCTGAGTATCTTCAGTCTTGAATACTCGAAAAAGCCTGG[T>C]TGCCAAAAAGCCAAACTCTCTTTCACAAGCATCCGAGAGGGTTGCAATCATTTCAGCCAG-3'
Protein context (NP_065789.1, residues 624-644): ACEREFGFLA[Thr634Ala]RLFRVFKTED

ClinVar aggregate classification (germline): Uncertain significance (1 of 4 stars; one submission).

Allele frequency attached by ClinVar (database versions not stated): ExAC 0.00002.
gnomAD v4.1: 6 of 1,614,154 alleles (0.00037%); highest among the groups gnomAD compares: South Asian, 0.0066%; no homozygotes.

Submission:

Labcorp Genetics (formerly Invitae), Labcorp
Classification: Uncertain significance. Last evaluated: 2022-03-12. Review status: criteria provided, single submitter. Criteria: Invitae Variant Classification Sherloc (09022015). Collection method: clinical testing. Allele origin: germline.
Comment: In summary, the available evidence is currently insufficient to determine the role of this variant in disease. Therefore, it has been classified as a Variant of Uncertain Significance. Algorithms developed to predict the effect of sequence changes on RNA splicing suggest that this variant may create or strengthen a splice site. Algorithms developed to predict the effect of missense changes on protein structure and function (SIFT, PolyPhen-2, Align-GVGD) all suggest that this variant is likely to be tolerated. This variant has not been reported in the literature in individuals affected with KIDINS220-related conditions. This variant is present in population databases (rs759350450, gnomAD 0.006%). This sequence change replaces threonine, which is neutral and polar, with alanine, which is neutral and non-polar, at codon 634 of the KIDINS220 protein (p.Thr634Ala).